The following is an entry in ClinVar:

NM_003072.5(SMARCA4):c.2088T>A (p.Asp696Glu)

Gene: SMARCA4 (SWI/SNF related BAF chromatin remodeling complex subunit ATPase 4; plus strand). Cytogenetic location: 19p13.2.
Variant type: single nucleotide variant.
Coding change: c.2088T>A on transcript NM_003072.5 (MANE Select); coding-DNA position 2088, T replaced by A.
Protein change: p.Asp696Glu; replaces aspartic acid 696 with glutamic acid.
Molecular consequence: missense variant. On other transcripts: non-coding transcript variant (1).
Genome position (GRCh38, 1-based): chr19:11,007,988, T>A. VCF-style: chr19-11007988-T-A. GRCh37 (hg19) VCF-style: chr19-11118664-T-A.
Other names: c.2088T>A, p.Asp696Glu (NM_001128844.3, NM_001128845.2, NM_001128846.2 and 4 more transcripts); short protein forms D696E.
Identifiers: ClinVar variation 820692 (VCV000820692.16), dbSNP rs1600168312, ClinGen allele CA404052552.

ClinVar aggregate classification (germline): Uncertain significance. Review status: criteria provided, multiple submitters, no conflicts (2 of 4 stars). 3 submissions from 3 submitters: Uncertain significance (3). Last evaluated 2024-07-29.

Conditions:
Intellectual disability, autosomal dominant 16 (CSS4). Also called: COFFIN-SIRIS SYNDROME 4. Identifiers: Orphanet 1465, MedGen C3553249, MONDO:0013821, OMIM 614609.
Rhabdoid tumor predisposition syndrome 2 (RTPS2). Identifiers: Orphanet 231108, Orphanet 69077, MedGen C2750074, MONDO:0013224, OMIM 613325.
Hereditary cancer-predisposing syndrome. Also called: Neoplastic Syndromes, Hereditary; Tumor predisposition; Hereditary Cancer Syndrome; Hereditary neoplastic syndrome. Identifiers: Orphanet 140162, MedGen C0027672, MeSH D009386, MONDO:0015356.

Allele frequency attached by ClinVar (database versions not stated): gnomAD exomes below 0.00001.
gnomAD v4.1: 3 of 1,613,624 alleles (0.00019%); highest among the groups gnomAD compares: Admixed American, 0.0033%; no homozygotes.

Submissions (3):

Labcorp Genetics (formerly Invitae), Labcorp
Classification: Uncertain significance for Rhabdoid tumor predisposition syndrome 2. Last evaluated: 2024-07-29. Review status: criteria provided, single submitter. Criteria: Invitae Variant Classification Sherloc (09022015). Collection method: clinical testing. Allele origin: germline.
Comment: This sequence change replaces aspartic acid, which is acidic and polar, with glutamic acid, which is acidic and polar, at codon 696 of the SMARCA4 protein (p.Asp696Glu). This variant is not present in population databases (gnomAD no frequency). This variant has not been reported in the literature in individuals affected with SMARCA4-related conditions. ClinVar contains an entry for this variant (Variation ID: 820692). Advanced modeling of protein sequence and biophysical properties (such as structural, functional, and spatial information, amino acid conservation, physicochemical variation, residue mobility, and thermodynamic stability) performed at Invitae indicates that this missense variant is not expected to disrupt SMARCA4 protein function with a negative predictive value of 95%. In summary, the available evidence is currently insufficient to determine the role of this variant in disease. Therefore, it has been classified as a Variant of Uncertain Significance.

Genome-Nilou Lab
Classification: Uncertain significance for Intellectual disability, autosomal dominant 16. Last evaluated: 2021-07-15. Review status: criteria provided, single submitter. Criteria: ACMG Guidelines, 2015. Collection method: clinical testing. Allele origin: germline. Affected: no.

Ambry Genetics
Classification: Uncertain significance for Hereditary cancer-predisposing syndrome. Last evaluated: 2019-08-01. Review status: criteria provided, single submitter. Criteria: Ambry Variant Classification Scheme 2023. Collection method: clinical testing. Allele origin: germline.
Comment: The p.D696E variant (also known as c.2088T>A), located in coding exon 13 of the SMARCA4 gene, results from a T to A substitution at nucleotide position 2088. The aspartic acid at codon 696 is replaced by glutamic acid, an amino acid with highly similar properties. This amino acid position is not well conserved in available vertebrate species. In addition, this alteration is predicted to be tolerated by in silico analysis. Since supporting evidence is limited at this time, the clinical significance of this alteration remains unclear.